The following is an entry in ClinVar:

ClinVar aggregate classification (germline): Conflicting classifications of pathogenicity. Review status: criteria provided, conflicting classifications (1 of 4 stars). 2 submissions from 2 submitters: Uncertain significance (1); Likely benign (1). Last evaluated 2024-04-22.

Conditions:
Hereditary cancer-predisposing syndrome. Also called: Tumor predisposition; Hereditary Cancer Syndrome; Hereditary neoplastic syndrome; Neoplastic Syndromes, Hereditary. Identifiers: Orphanet 140162, MedGen C0027672, MeSH D009386, MONDO:0015356.
Hereditary nonpolyposis colorectal neoplasms. Identifiers: MedGen C0009405, MeSH D003123.

Submissions (2):

Labcorp Genetics (formerly Invitae), Labcorp
Classification: Likely benign for Hereditary nonpolyposis colorectal neoplasms. Last evaluated: 2024-04-22. Review status: criteria provided, single submitter. Criteria: Invitae Variant Classification Sherloc (09022015). Collection method: clinical testing. Allele origin: germline.

Ambry Genetics
Classification: Uncertain significance for Hereditary cancer-predisposing syndrome. Last evaluated: 2024-03-20. Review status: criteria provided, single submitter. Criteria: Ambry Variant Classification Scheme 2023. Collection method: clinical testing. Allele origin: germline.
Comment: The c.186_187delCTinsAC variant (also known as p.S63P), located in coding exon 1 of the MSH6 gene, results from an in-frame deletion of CT and insertion of AC at nucleotide positions 186 to 187. This results in the substitution of the serine residue for a proline residue at codon 63, an amino acid with similar properties. This amino acid position is not well conserved in available vertebrate species. In addition, this alteration is predicted to be neutral by in silico analysis (Choi Y et al. PLoS ONE. 2012; 7(10):e46688). Based on the available evidence, the clinical significance of this alteration remains unclear.

NM_000179.3(MSH6):c.186_187delinsAC (p.Ser63Pro)

Gene: MSH6 (mutS homolog 6; plus strand). Cytogenetic location: 2p16.3.
Variant type: Indel.
Coding change: c.186_187delinsAC on transcript NM_000179.3 (MANE Select); coding-DNA positions 186 to 187, CT replaced by AC.
Protein change: p.Ser63Pro; replaces serine 63 with proline.
Molecular consequence: missense variant. On other transcripts: 5 prime UTR variant (7), non-coding transcript variant (5), intron variant (5).
Genome position (GRCh38, 1-based): chr2:47,783,419-47,783,420, CT replaced by AC. VCF-style: chr2-47783419-CT-AC. GRCh37 (hg19) VCF-style: chr2-48010558-CT-AC.
Other names: c.186_187delinsAC, p.Ser63Pro (NM_001281492.2, NM_001406795.1, NM_001406796.1 and 9 more transcripts); c.-551_-550delinsAC (NM_001281493.2, NM_001406811.1); c.-143_-142delinsAC (NM_001406799.1); c.-354_-353delinsAC (NM_001406816.1); c.-38+188_-38+189delinsAC (NM_001406805.1, NM_001406797.1, NM_001406801.1); c.-69+188_-69+189delinsAC (NM_001406806.1); c.-280+188_-280+189delinsAC (NM_001406815.1); c.131_132delinsAC, p.Ala44Asp (NM_001406804.1); and 3 more; short protein forms A44D, S63P.
Identifiers: ClinVar variation 3296355 (VCV003296355.3).